The following is an entry in ClinVar:

ClinVar aggregate classification (germline): Uncertain significance. Review status: criteria provided, multiple submitters, no conflicts (2 of 4 stars). 2 submissions from 2 submitters: Uncertain significance (2). Last evaluated 2022-08-13.

Conditions:
Chédiak-Higashi syndrome (CHS). Also called: Chediak-Higashi Syndrome. Identifiers: Orphanet 167, MedGen C0007965, MONDO:0008963, OMIM 214500.

Allele frequency attached by ClinVar (database versions not stated): TOPMed below 0.00001.
gnomAD v4.1: 7 of 1,614,174 alleles (0.00043%); highest among the groups gnomAD compares: Admixed American, 0.0017%; no homozygotes.

Submissions (2):

Labcorp Genetics (formerly Invitae), Labcorp
Classification: Uncertain significance for Chédiak-Higashi syndrome. Last evaluated: 2022-08-13. Review status: criteria provided, single submitter. Criteria: Invitae Variant Classification Sherloc (09022015). Collection method: clinical testing. Allele origin: germline.
Comment: This sequence change replaces alanine, which is neutral and non-polar, with proline, which is neutral and non-polar, at codon 3498 of the LYST protein (p.Ala3498Pro). This variant is not present in population databases (gnomAD no frequency). This variant has not been reported in the literature in individuals affected with LYST-related conditions. ClinVar contains an entry for this variant (Variation ID: 1310304). Algorithms developed to predict the effect of missense changes on protein structure and function are either unavailable or do not agree on the potential impact of this missense change (SIFT: "Tolerated"; PolyPhen-2: "Probably Damaging"; Align-GVGD: "Class C0"). In summary, the available evidence is currently insufficient to determine the role of this variant in disease. Therefore, it has been classified as a Variant of Uncertain Significance.

GeneDx
Classification: Uncertain significance. Last evaluated: 2019-11-19. Review status: criteria provided, single submitter. Criteria: GeneDx Variant Classification Process June 2021. Collection method: clinical testing. Allele origin: germline. Affected: yes.
Comment: Not observed in large population cohorts (Lek et al., 2016); In silico analysis, which includes protein predictors and evolutionary conservation, supports that this variant does not alter protein structure/function; Has not been previously published as pathogenic or benign to our knowledge

NM_000081.4(LYST):c.10492G>C (p.Ala3498Pro)

Gene: LYST (lysosomal trafficking regulator; minus strand). Cytogenetic location: 1q42.3.
Variant type: single nucleotide variant.
Coding change: c.10492G>C on transcript NM_000081.4 (MANE Select); coding-DNA position 10492, G replaced by C.
Protein change: p.Ala3498Pro; replaces alanine 3498 with proline.
Molecular consequence: missense variant.
Genome position (GRCh38, 1-based): chr1:235,697,155, C>G on the plus strand (G>C on the coding strand, the complement: LYST is on the minus strand). VCF-style: chr1-235697155-C-G. GRCh37 (hg19) VCF-style: chr1-235860455-C-G.
Other names: c.10492G>C, p.Ala3498Pro (NM_001301365.1); short protein forms A3498P.
Identifiers: ClinVar variation 1310304 (VCV001310304.3), dbSNP rs1222770569, ClinGen allele CA344929008.
Genomic context (GRCh38, chr1:235,697,155, plus strand): 5'-TATATGTCATCAGAAGACAGAAATTCCGTGACAAACCACAGATTGCTCTGGTGGGCAGAG[C>G]CTGGAGAGAGCCAAATCTTTCTCCGTGGGGCTGGCTGAAGCAGACCACAGGTACTGGAGC-3'
Protein context (NP_000072.2, residues 3488-3508): PHGERFGSLQ[Ala3498Pro]LPTRAICGLS